The following is an entry in ClinVar:

ClinVar aggregate classification (germline): Uncertain significance (1 of 4 stars; one submission).

Conditions:
Walker-Warburg congenital muscular dystrophy. Also called: Muscular dystrophy-dystroglycanopathy, type A; Walker-Warburg syndrome. Identifiers: Orphanet 899, MedGen C0265221, MONDO:0000171.

Submission:

Labcorp Genetics (formerly Invitae), Labcorp
Classification: Uncertain significance for Walker-Warburg congenital muscular dystrophy. Last evaluated: 2022-08-17. Review status: criteria provided, single submitter. Criteria: Invitae Variant Classification Sherloc (09022015). Collection method: clinical testing. Allele origin: germline.
Comment: This variant is not present in population databases (gnomAD no frequency). In summary, the available evidence is currently insufficient to determine the role of this variant in disease. Therefore, it has been classified as a Variant of Uncertain Significance. Algorithms developed to predict the effect of missense changes on protein structure and function are either unavailable or do not agree on the potential impact of this missense change (SIFT: "Tolerated"; PolyPhen-2: "Probably Damaging"; Align-GVGD: "Class C0"). This variant has not been reported in the literature in individuals affected with FKTN-related conditions. This sequence change replaces phenylalanine, which is neutral and non-polar, with leucine, which is neutral and non-polar, at codon 23 of the FKTN protein (p.Phe23Leu).

NM_001079802.2(FKTN):c.69T>G (p.Phe23Leu)

Gene: FKTN (fukutin; plus strand). Cytogenetic location: 9q31.2.
Variant type: single nucleotide variant.
Coding change: c.69T>G on transcript NM_001079802.2 (MANE Select); coding-DNA position 69, T replaced by G.
Protein change: p.Phe23Leu; replaces phenylalanine 23 with leucine.
Molecular consequence: missense variant. On other transcripts: 5 prime UTR variant (5), non-coding transcript variant (2).
Genome position (GRCh38, 1-based): chr9:105,575,101, T>G. VCF-style: chr9-105575101-T-G. GRCh37 (hg19) VCF-style: chr9-108337382-T-G.
Other names: c.69T>G, p.Phe23Leu (NM_001198963.2, NM_001351496.2, NM_001351498.2 and 1 more transcripts); c.-99T>G (NM_001351497.2); c.-446T>G (NM_001351499.2, NM_001351500.2, NM_001351501.2 and 1 more transcripts); short protein forms F23L.
Identifiers: ClinVar variation 2065996 (VCV002065996.4), dbSNP rs1238906881, ClinGen allele CA374330919.
Genomic context (GRCh38, chr9:105,575,101, plus strand): 5'-AATCAATAAGAACGTGGTTTTGGCCCTTTTAACGCTGACAAGTTCTGCATTTCTGCTGTT[T>G]CAGTTGTACTACTACAAGCACTATTTATCAACAAAGGTAATTTTATTCCTTCTTTCTTAT-3'
Protein context (NP_001073270.1, residues 13-33): LTLTSSAFLL[Phe23Leu]QLYYYKHYLS